The following is an entry in ClinVar:

ClinVar aggregate classification (germline): Uncertain significance (1 of 4 stars; one submission).

Conditions:
Vici syndrome (VICIS). Identifiers: Orphanet 1493, MedGen C1855772, MONDO:0009452, OMIM 242840.

Allele frequency attached by ClinVar (database versions not stated): ExAC 0.00001; gnomAD 0.00001; gnomAD exomes 0.00001; TOPMed 0.00001; 1000 Genomes Project 30x 0.00016; 1000 Genomes Project 0.00020.
gnomAD v4.1: 8 of 1,613,830 alleles (0.0005%); highest among the groups gnomAD compares: Admixed American, 0.005%; no homozygotes.

Submission:

Labcorp Genetics (formerly Invitae), Labcorp
Classification: Uncertain significance for Vici syndrome. Last evaluated: 2021-09-02. Review status: criteria provided, single submitter. Criteria: Invitae Variant Classification Sherloc (09022015). Collection method: clinical testing. Allele origin: germline.
Comment: This sequence change replaces lysine with arginine at codon 214 of the EPG5 protein (p.Lys214Arg). The lysine residue is weakly conserved and there is a small physicochemical difference between lysine and arginine. This variant is present in population databases (rs571324055, ExAC 0.006%). This variant has not been reported in the literature in individuals affected with EPG5-related conditions. Algorithms developed to predict the effect of missense changes on protein structure and function are either unavailable or do not agree on the potential impact of this missense change (SIFT: "Deleterious"; PolyPhen-2: "Probably Damaging"; Align-GVGD: "Class C0"). In summary, the available evidence is currently insufficient to determine the role of this variant in disease. Therefore, it has been classified as a Variant of Uncertain Significance.

NM_020964.3(EPG5):c.641A>G (p.Lys214Arg)

Gene: EPG5 (ectopic P-granules 5 autophagy tethering factor; minus strand). Cytogenetic location: 18q21.1.
Variant type: single nucleotide variant.
Coding change: c.641A>G on transcript NM_020964.3 (MANE Select); coding-DNA position 641, A replaced by G.
Protein change: p.Lys214Arg; replaces lysine 214 with arginine.
Molecular consequence: missense variant.
Genome position (GRCh38, 1-based): chr18:45,954,761, T>C on the plus strand (A>G on the coding strand, the complement: EPG5 is on the minus strand). VCF-style: chr18-45954761-T-C. GRCh37 (hg19) VCF-style: chr18-43534727-T-C.
Other names: short protein forms K214R.
Identifiers: ClinVar variation 1404723 (VCV001404723.6), dbSNP rs571324055, ClinGen allele CA8949916.